The following is an entry in ClinVar:

NM_014363.6(SACS):c.6278G>A (p.Arg2093His)

Gene: SACS (sacsin molecular chaperone; minus strand). Cytogenetic location: 13q12.12.
Variant type: single nucleotide variant.
Coding change: c.6278G>A on transcript NM_014363.6 (MANE Select); coding-DNA position 6278, G replaced by A.
Protein change: p.Arg2093His; replaces arginine 2093 with histidine.
Molecular consequence: missense variant.
Genome position (GRCh38, 1-based): chr13:23,337,598, C>T on the plus strand (G>A on the coding strand, the complement: SACS is on the minus strand). VCF-style: chr13-23337598-C-T. GRCh37 (hg19) VCF-style: chr13-23911737-C-T.
Other names: p.Arg2093His; c.5837G>A, p.Arg1946His (NM_001278055.2); short protein forms R1946H, R2093H.
Identifiers: ClinVar variation 2038982 (VCV002038982.5), dbSNP rs150018812, ClinGen allele CA6911105.

ClinVar aggregate classification (germline): Conflicting classifications of pathogenicity. Review status: criteria provided, conflicting classifications (1 of 4 stars). 2 submissions from 2 submitters: Uncertain significance (1); Benign (1). Last evaluated 2025-03-24.

Conditions:
Spastic paraplegia. Identifiers: MedGen C0037772, HP:0001258.

Allele frequency attached by ClinVar (database versions not stated): ExAC 0.00007; gnomAD 0.00007; ESP Exome Variant Server 0.00008; TOPMed 0.00008.
gnomAD v4.1: 114 of 1,613,660 alleles (0.0071%); highest among the groups gnomAD compares: South Asian, 0.034%; no homozygotes.

Submissions (2):

Labcorp Genetics (formerly Invitae), Labcorp
Classification: Benign for Spastic paraplegia. Last evaluated: 2025-03-24. Review status: criteria provided, single submitter. Criteria: Invitae Variant Classification Sherloc (09022015). Collection method: clinical testing. Allele origin: germline.

Mayo Clinic Laboratories, Mayo Clinic
Classification: Uncertain significance. Last evaluated: 2024-04-23. Review status: criteria provided, single submitter. Criteria: ACMG Guidelines, 2015. Collection method: clinical testing. Allele origin: germline. Observed: 2 variant alleles.
Comment: PM2